The following is an entry in ClinVar:

NM_201384.3(PLEC):c.5711G>T (p.Ser1904Ile)

Gene: PLEC (plectin; minus strand). Cytogenetic location: 8q24.3.
Variant type: single nucleotide variant.
Coding change: c.5711G>T on transcript NM_201384.3 (MANE Select); coding-DNA position 5711, G replaced by T.
Protein change: p.Ser1904Ile; replaces serine 1904 with isoleucine.
Molecular consequence: missense variant.
Genome position (GRCh38, 1-based): chr8:143,924,218, C>A on the plus strand (G>T on the coding strand, the complement: PLEC is on the minus strand). VCF-style: chr8-143924218-C-A. GRCh37 (hg19) VCF-style: chr8-144998386-C-A.
Other names: c.5792G>T, p.Ser1931Ile (NM_000445.5); c.5669G>T, p.Ser1890Ile (NM_201378.4); c.5645G>T, p.Ser1882Ile (NM_201379.3); c.6122G>T, p.Ser2041Ile (NM_201380.4); c.5615G>T, p.Ser1872Ile (NM_201381.3); c.5711G>T, p.Ser1904Ile (NM_201382.4); c.5723G>T, p.Ser1908Ile (NM_201383.3); short protein forms S1904I, S1908I, S2041I, S1882I, S1872I, S1890I, S1931I.
Identifiers: ClinVar variation 653394 (VCV000653394.6), dbSNP rs782115809, ClinGen allele CA372542223.

ClinVar aggregate classification (germline): Uncertain significance (1 of 4 stars; one submission).

Conditions:
Epidermolysis bullosa simplex 5C, with pyloric atresia (EBS5C). Also called: Epidermolysis bullosa simplex with pyloric atresia; PLEC-Related Epidermolysis Bullosa with Pyloric Atresia; PLEC1-Related Epidermolysis Bullosa with Pyloric Atresia. Identifiers: Orphanet 158684, MedGen C2677349, MONDO:0012807, OMIM 612138.
Epidermolysis bullosa simplex 5B, with muscular dystrophy (EBS5B). Also called: Epidermolysis bullosa simplex with muscular dystrophy; EPIDERMOLYSIS BULLOSA SIMPLEX AND LIMB-GIRDLE MUSCULAR DYSTROPHY. Identifiers: Orphanet 257, MedGen C2931072, MONDO:0009181, OMIM 226670.
Epidermolysis bullosa simplex, Ogna type (EBS5A). Also called: Pidermolysis bullosa simplex 5A, Ogna type; EPIDERMOLYSIS BULLOSA SIMPLEX 5A, OGNA TYPE. Identifiers: Orphanet 79401, MedGen C0432317, MONDO:0007555, OMIM 131950.
Epidermolysis bullosa simplex with nail dystrophy (EBS5D). Identifiers: MedGen C4225309, MONDO:0014661, OMIM 616487.
Autosomal recessive limb-girdle muscular dystrophy type 2Q (LGMDR17). Also called: MUSCULAR DYSTROPHY, LIMB-GIRDLE, AUTOSOMAL RECESSIVE 17. Identifiers: Orphanet 254361, MedGen C3150989, MONDO:0013390, OMIM 613723.

gnomAD v4.1: 7 of 1,598,798 alleles (0.00044%); highest among the groups gnomAD compares: African/African-American, 0.0013%; no homozygotes.

Submission:

Labcorp Genetics (formerly Invitae), Labcorp
Classification: Uncertain significance for Autosomal recessive limb-girdle muscular dystrophy type 2Q; Epidermolysis bullosa simplex, Ogna type; Epidermolysis bullosa simplex with nail dystrophy; Epidermolysis bullosa simplex 5C, with pyloric atresia; Epidermolysis bullosa simplex 5B, with muscular dystrophy. Last evaluated: 2025-01-07. Review status: criteria provided, single submitter. Criteria: Invitae Variant Classification Sherloc (09022015). Collection method: clinical testing. Allele origin: germline.
Comment: This sequence change replaces serine, which is neutral and polar, with isoleucine, which is neutral and non-polar, at codon 1931 of the PLEC protein (p.Ser1931Ile). This variant is not present in population databases (gnomAD no frequency). This variant has not been reported in the literature in individuals affected with PLEC-related conditions. ClinVar contains an entry for this variant (Variation ID: 653394). Experimental studies and prediction algorithms are not available or were not evaluated, and the functional significance of this variant is currently unknown. In summary, the available evidence is currently insufficient to determine the role of this variant in disease. Therefore, it has been classified as a Variant of Uncertain Significance.